The following is an entry in ClinVar:

ClinVar aggregate classification (germline): Uncertain significance (1 of 4 stars; one submission).

Conditions:
Autosomal recessive limb-girdle muscular dystrophy type 2J (LGMDR10). Also called: Limb-girdle muscular dystrophy, type 2J; MUSCULAR DYSTROPHY, LIMB-GIRDLE, AUTOSOMAL RECESSIVE 10. Identifiers: Orphanet 140922, MedGen C1837342, MONDO:0012127, OMIM 608807.
Dilated cardiomyopathy 1G (CMD1G). Identifiers: Orphanet 154, MedGen C1858763, MONDO:0011400, OMIM 604145.

Submission:

Labcorp Genetics (formerly Invitae), Labcorp
Classification: Uncertain significance for Dilated cardiomyopathy 1G; Autosomal recessive limb-girdle muscular dystrophy type 2J. Last evaluated: 2025-06-11. Review status: criteria provided, single submitter. Criteria: Invitae Variant Classification Sherloc (09022015). Collection method: clinical testing. Allele origin: germline.
Comment: This sequence change replaces leucine, which is neutral and non-polar, with valine, which is neutral and non-polar, at codon 34624 of the TTN protein (p.Leu34624Val). This variant is not present in population databases (gnomAD no frequency). This variant has not been reported in the literature in individuals affected with TTN-related conditions. Experimental studies and prediction algorithms are not available or were not evaluated, and the functional significance of this variant is currently unknown. This variant is located in the M band of TTN (PMID: 25589632). Non-truncating variants in this region may be relevant for neuromuscular disorders, but have not been definitively shown to cause cardiomyopathy (PMID: 23975875). In summary, the available evidence is currently insufficient to determine the role of this variant in disease. Therefore, it has been classified as a Variant of Uncertain Significance.

Literature cited by the submitters: PubMed 25589632; PubMed 23975875.

NM_001267550.2(TTN):c.103870C>G (p.Leu34624Val)

Genes: TTN (titin; minus strand), TTN-AS1 (TTN antisense RNA 1; plus strand). Cytogenetic location: 2q31.2.
Variant type: single nucleotide variant.
Coding change: c.103870C>G on transcript NM_001267550.2 (MANE Select); coding-DNA position 103870, C replaced by G.
Protein change: p.Leu34624Val; replaces leucine 34624 with valine.
Molecular consequence: missense variant.
Genome position (GRCh38, 1-based): chr2:178,532,745, G>C on the plus strand (C>G on the coding strand, the complement: TTN is on the minus strand). VCF-style: chr2-178532745-G-C. GRCh37 (hg19) VCF-style: chr2-179397472-G-C.
Other names: c.98947C>G, p.Leu32983Val (NM_001256850.1); c.76675C>G, p.Leu25559Val (NM_003319.4); c.96166C>G, p.Leu32056Val (NM_133378.4); c.77050C>G, p.Leu25684Val (NM_133432.3); c.77251C>G, p.Leu25751Val (NM_133437.4); short protein forms L32056V, L25559V, L25751V, L32983V, L25684V, L34624V.
Identifiers: ClinVar variation 4785260 (VCV004785260.1), dbSNP rs1575253647.